The following is an entry in ClinVar:

NM_000179.3(MSH6):c.628-9G>A

Gene: MSH6 (mutS homolog 6; plus strand). Cytogenetic location: 2p16.3.
Variant type: single nucleotide variant.
Coding change: c.628-9G>A on transcript NM_000179.3 (MANE Select); 9 bases into the intron before coding-DNA position 628, G replaced by A.
Molecular consequence: intron variant.
Genome position (GRCh38, 1-based): chr2:47,798,602, G>A. VCF-style: chr2-47798602-G-A. GRCh37 (hg19) VCF-style: chr2-48025741-G-A.
Other names: c.-279-9G>A (NM_001281493.2); c.238-9G>A (NM_001281492.2); c.-275-13G>A (NM_001281494.2).
Identifiers: ClinVar variation 382524 (VCV000382524.17), dbSNP rs748816043, ClinGen allele CA073268.
Genomic context (GRCh38, chr2:47,798,602, plus strand): 5'-TTGAACTGTCTTACATTATGGTTTTCCAAATTTTGATTTGTTTTTAAATACTCTTTCCTT[G>A]CCTGGCAGGTAGGCACAACTTACGTAACAGATAAGAGTGAAGAAGATAATGAAATTGAGA-3'

ClinVar aggregate classification (germline): Likely benign. Review status: criteria provided, multiple submitters, no conflicts (2 of 4 stars). 5 submissions from 5 submitters: Likely benign (5). Last evaluated 2025-09-11.

Conditions:
Hereditary nonpolyposis colorectal neoplasms. Identifiers: MedGen C0009405, MeSH D003123.
Lynch syndrome. Identifiers: Orphanet 144, MedGen C4552100, MONDO:0005835. Disease mechanism: loss of function.
Lynch syndrome 5 (LYNCH5). Also called: Colorectal cancer, hereditary nonpolyposis, type 5; Hereditary non-polyposis colorectal cancer, type 5. Identifiers: Orphanet 144, MedGen C1833477, MONDO:0013710, OMIM 614350. Disease mechanism: loss of function.
Hereditary cancer-predisposing syndrome. Also called: Tumor predisposition; Hereditary neoplastic syndrome; Neoplastic Syndromes, Hereditary; Hereditary Cancer Syndrome. Identifiers: Orphanet 140162, MedGen C0027672, MeSH D009386, MONDO:0015356.

Allele frequency attached by ClinVar (database versions not stated): gnomAD exomes below 0.00001; ExAC 0.00001.
gnomAD v4.1: 2 of 1,608,184 alleles (0.00012%); highest among the groups gnomAD compares: Admixed American, 0.0017%; no homozygotes.

Submissions (5):

Labcorp Genetics (formerly Invitae), Labcorp
Classification: Likely benign for Hereditary nonpolyposis colorectal neoplasms. Last evaluated: 2025-09-11. Review status: criteria provided, single submitter. Criteria: Invitae Variant Classification Sherloc (09022015). Collection method: clinical testing. Allele origin: germline.

Myriad Genetics, Inc.
Classification: Likely benign for Lynch syndrome 5. Last evaluated: 2024-12-19. Review status: criteria provided, single submitter. Criteria: Myriad Autosomal Dominant, Autosomal Recessive and X-Linked Classification Criteria (2023). Collection method: clinical testing. Allele origin: unknown.
Comment: This variant is considered likely benign. This variant is intronic and is not expected to impact mRNA splicing.

All of Us Research Program, National Institutes of Health
Classification: Likely benign for Lynch syndrome. Last evaluated: 2024-04-16. Review status: criteria provided, single submitter. Criteria: ACMG Guidelines, 2015. Collection method: clinical testing. Allele origin: germline. Inheritance: Autosomal dominant inheritance. Observed: 1 variant allele, 1 heterozygote.
Comment: This study involves interpretation of variants in research participants for the purpose of population health screening. Participant phenotype was not available at the time of variant classification. Additional details can be found in publication PMID: 35346344, PMCID: PMC8962531

Color Diagnostics, LLC DBA Color Health
Classification: Likely benign for Hereditary cancer-predisposing syndrome. Last evaluated: 2024-04-11. Review status: criteria provided, single submitter. Criteria: ACMG Guidelines, 2015. Collection method: clinical testing. Allele origin: germline.

GeneDx
Classification: Likely benign. Last evaluated: 2019-12-06. Review status: criteria provided, single submitter. Criteria: GeneDx Variant Classification Process June 2021. Collection method: clinical testing. Allele origin: germline. Affected: yes.